The following is an entry in ClinVar:

ClinVar aggregate classification (germline): Uncertain significance. Review status: criteria provided, single submitter (1 of 4 stars). 2 submissions from 2 submitters: Uncertain significance (1). 1 of the submissions does not count toward it. Last evaluated 2021-01-29.

Conditions:
Hereditary cancer-predisposing syndrome. Also called: Tumor predisposition; Hereditary Cancer Syndrome; Neoplastic Syndromes, Hereditary; Hereditary neoplastic syndrome. Identifiers: Orphanet 140162, MedGen C0027672, MeSH D009386, MONDO:0015356.
Breast-ovarian cancer, familial, susceptibility to, 2 (BROVCA2). Also called: BRCA2 Hereditary Breast and Ovarian Cancer. Identifiers: Orphanet 145, MedGen C2675520, MONDO:0012933, OMIM 612555. Disease mechanism: loss of function.

Submissions (2):

Ambry Genetics
Classification: Uncertain significance for Hereditary cancer-predisposing syndrome. Last evaluated: 2021-01-29. Review status: criteria provided, single submitter. Criteria: Ambry Variant Classification Scheme 2023. Collection method: clinical testing. Allele origin: germline.
Comment: The p.L2792F variant (also known as c.8374C>T), located in coding exon 18 of the BRCA2 gene, results from a C to T substitution at nucleotide position 8374. The leucine at codon 2792 is replaced by phenylalanine, an amino acid with highly similar properties. This amino acid position is highly conserved in available vertebrate species. In addition, the in silico prediction for this alteration is inconclusive. Based on internal structural assessment, this alteration results in destabilization of the OBD1 domain, near the DSS1 binding site (Yang H et al. Science, 2002 Sep;297:1837-48). Since supporting evidence is limited at this time, the clinical significance of this alteration remains unclear.

Sharing Clinical Reports Project (SCRP)
Classification: Uncertain significance for Breast-ovarian cancer, familial 2. Last evaluated: 2009-01-09. Review status: no assertion criteria provided. Collection method: clinical testing. Allele origin: germline. Not counted in ClinVar's aggregate classification.

Literature cited by the submitters: PubMed 12228710 (cited by Ambry Genetics).

NM_000059.4(BRCA2):c.8374C>T (p.Leu2792Phe)

Gene: BRCA2 (BRCA2 DNA repair associated; plus strand). Cytogenetic location: 13q13.1.
Variant type: single nucleotide variant.
Coding change: c.8374C>T on transcript NM_000059.4 (MANE Select); coding-DNA position 8374, C replaced by T.
Protein change: p.Leu2792Phe; replaces leucine 2792 with phenylalanine.
Molecular consequence: missense variant.
Genome position (GRCh38, 1-based): chr13:32,370,444, C>T. VCF-style: chr13-32370444-C-T. GRCh37 (hg19) VCF-style: chr13-32944581-C-T.
Other names: 8602C>T; short protein forms L2792F.
Identifiers: ClinVar variation 91509 (VCV000091509.6), dbSNP rs398122604, ClinGen allele CA025610.